The following is an entry in ClinVar:

NM_000093.5(COL5A1):c.157G>C (p.Asp53His)

Gene: COL5A1 (collagen type V alpha 1 chain; plus strand). Cytogenetic location: 9q34.3.
Variant type: single nucleotide variant.
Coding change: c.157G>C on transcript NM_000093.5 (MANE Select); coding-DNA position 157, G replaced by C.
Protein change: p.Asp53His; replaces aspartic acid 53 with histidine.
Molecular consequence: missense variant.
Genome position (GRCh38, 1-based): chr9:134,690,959, G>C. VCF-style: chr9-134690959-G-C. GRCh37 (hg19) VCF-style: chr9-137582805-G-C.
Other names: p.D53H:GAT>CAT; c.157G>C, p.Asp53His (NM_001278074.1); short protein forms D53H.
Identifiers: ClinVar variation 213068 (VCV000213068.4), dbSNP rs763026096, ClinGen allele CA321201.

ClinVar aggregate classification (germline): Uncertain significance (1 of 4 stars; one submission).

Submission:

GeneDx
Classification: Uncertain significance. Last evaluated: 2020-09-30. Review status: criteria provided, single submitter. Criteria: GeneDx Variant Classification Process June 2021. Collection method: clinical testing. Allele origin: germline. Affected: yes.
Comment: Has not been previously published as pathogenic or benign to our knowledge; Not observed in large population cohorts (Lek et al., 2016); In silico analysis supports that this missense variant has a deleterious effect on protein structure/function; Not located in the triple helical region, where the majority of pathogenic missense variants occur (Symoens et al., 2012; Stenson et al., 2014)